The following is an entry in ClinVar:

ClinVar aggregate classification (germline): Likely benign. Review status: criteria provided, multiple submitters, no conflicts (2 of 4 stars). 3 submissions from 3 submitters: Likely benign (3). Last evaluated 2025-01-27.

Conditions:
Cardiac arrhythmia. Also called: Arrhythmia; Cardiac rhythm disease. Identifiers: MedGen C0003811, MONDO:0007263, HP:0011675.
Long QT syndrome (LQTS). Identifiers: MedGen C0023976, MeSH D008133, MONDO:0002442. Disease mechanism: loss of function. Inheritance: Various modes of inheritance.

Allele frequency attached by ClinVar (database versions not stated): TOPMed below 0.00001.

Submissions (3):

Labcorp Genetics (formerly Invitae), Labcorp
Classification: Likely benign for Long QT syndrome. Last evaluated: 2025-01-27. Review status: criteria provided, single submitter. Criteria: Invitae Variant Classification Sherloc (09022015). Collection method: clinical testing. Allele origin: germline.

All of Us Research Program, National Institutes of Health
Classification: Likely benign for Long QT syndrome. Last evaluated: 2023-03-28. Review status: criteria provided, single submitter. Criteria: ACMG Guidelines, 2015. Collection method: clinical testing. Allele origin: germline. Inheritance: Autosomal dominant inheritance. Observed: 1 variant allele, 1 heterozygote.
Comment: This study involves interpretation of variants in research participants for the purpose of population health screening. Participant phenotype was not available at the time of variant classification. Additional details can be found in publication PMID: 35346344, PMCID: PMC8962531

Color Diagnostics, LLC DBA Color Health
Classification: Likely benign for Arrhythmia. Last evaluated: 2018-10-08. Review status: criteria provided, single submitter. Criteria: ACMG Guidelines, 2015. Collection method: clinical testing. Allele origin: germline.

NM_000238.4(KCNH2):c.933G>A (p.Leu311=)

Gene: KCNH2 (potassium voltage-gated channel subfamily H member 2; minus strand). Cytogenetic location: 7q36.1.
Variant type: single nucleotide variant.
Coding change: c.933G>A on transcript NM_000238.4 (MANE Select); coding-DNA position 933, G replaced by A.
Protein change: p.Leu311=; no amino-acid change (leucine 311 retained).
Molecular consequence: synonymous variant. On other transcripts: non-coding transcript variant (1).
Genome position (GRCh38, 1-based): chr7:150,957,486, C>T on the plus strand (G>A on the coding strand, the complement: KCNH2 is on the minus strand). VCF-style: chr7-150957486-C-T. GRCh37 (hg19) VCF-style: chr7-150654574-C-T.
Other names: c.645G>A, p.Leu215= (NM_001406753.1, NM_001406756.1); c.756G>A, p.Leu252= (NM_001406755.1); c.633G>A, p.Leu211= (NM_001406757.1); c.933G>A, p.Leu311= (NM_172056.3).
Identifiers: ClinVar variation 924454 (VCV000924454.11), dbSNP rs1801415043, ClinGen allele CA458646104.